The following is an entry in ClinVar:

ClinVar aggregate classification (germline): Pathogenic (1 of 4 stars; one submission).

Conditions:
X-linked immunodeficiency with magnesium defect, Epstein-Barr virus infection and neoplasia. Identifiers: Orphanet 317476, MedGen C3275445, MONDO:0010455, OMIM 300853.

Submission:

Labcorp Genetics (formerly Invitae), Labcorp
Classification: Pathogenic for X-linked immunodeficiency with magnesium defect, Epstein-Barr virus infection and neoplasia. Last evaluated: 2023-07-10. Review status: criteria provided, single submitter. Criteria: Invitae Variant Classification Sherloc (09022015). Collection method: clinical testing. Allele origin: germline.
Comment: This sequence change creates a premature translational stop signal (p.Gln75*) in the MAGT1 gene. It is expected to result in an absent or disrupted protein product. Loss-of-function variants in MAGT1 are known to be pathogenic (PMID: 24550228). This variant is not present in population databases (gnomAD no frequency). This premature translational stop signal has been observed in individual(s) with X-linked recessive immunodeficiency with magnesium defect, Epstein-Barr virus infection, and neoplasia (XMEN) (PMID: 31993868). ClinVar contains an entry for this variant (Variation ID: 539316). For these reasons, this variant has been classified as Pathogenic.

Literature cited by the submitters: PubMed 24550228; PubMed 31993868.

NM_001367916.1(MAGT1):c.127C>T (p.Gln43Ter)

Gene: MAGT1 (magnesium transporter 1; minus strand). Cytogenetic location: Xq21.1.
Variant type: single nucleotide variant.
Coding change: c.127C>T on transcript NM_001367916.1 (MANE Select); coding-DNA position 127, C replaced by T.
Protein change: p.Gln43Ter; replaces glutamine 43 with a stop codon.
Molecular consequence: nonsense.
Genome position (GRCh38, 1-based): chrX:77,875,573, G>A on the plus strand (C>T on the coding strand, the complement: MAGT1 is on the minus strand). VCF-style: chrX-77875573-G-A. GRCh37 (hg19) VCF-style: chrX-77131070-G-A.
Other names: c.223C>T, p.Gln75Ter (LRG_353t1, NM_032121.5); short protein forms Q75*, Q43*.
Identifiers: ClinVar variation 539316 (VCV000539316.6), dbSNP rs1557217723, ClinGen allele CA413712256.